The following is an entry in ClinVar:

ClinVar aggregate classification (germline): Uncertain significance. Review status: criteria provided, multiple submitters, no conflicts (2 of 4 stars). 4 submissions from 3 submitters: Uncertain significance (4). Last evaluated 2025-02-17.

Conditions:
Inborn genetic diseases. Identifiers: MedGen C0950123, MeSH D030342.
Familial cutaneous telangiectasia and oropharyngeal predisposition cancer syndrome. Identifiers: Orphanet 313846, MedGen C3281203, MONDO:0013806, OMIM 614564.
Seckel syndrome 1 (SCKL1). Also called: MICROCEPHALIC PRIMORDIAL DWARFISM I. Identifiers: Orphanet 808, MedGen C4551474, MONDO:0008869, OMIM 210600.

gnomAD v4.1: 12 of 1,579,190 alleles (0.00076%); highest among the groups gnomAD compares: Non-Finnish European, 0.001%; no homozygotes.

Submissions (4):

Labcorp Genetics (formerly Invitae), Labcorp
Classification: Uncertain significance. Last evaluated: 2025-02-17. Review status: criteria provided, single submitter. Criteria: Invitae Variant Classification Sherloc (09022015). Collection method: clinical testing. Allele origin: germline.
Comment: This sequence change replaces serine, which is neutral and polar, with proline, which is neutral and non-polar, at codon 1616 of the ATR protein (p.Ser1616Pro). This variant is present in population databases (no rsID available, gnomAD 0.0009%). This variant has not been reported in the literature in individuals affected with ATR-related conditions. ClinVar contains an entry for this variant (Variation ID: 835654). An algorithm developed to predict the effect of missense changes on protein structure and function outputs the following: PolyPhen-2: "Benign". The proline amino acid residue is found in multiple mammalian species, which suggests that this missense change does not adversely affect protein function. In summary, the available evidence is currently insufficient to determine the role of this variant in disease. Therefore, it has been classified as a Variant of Uncertain Significance.

Genome-Nilou Lab
Classification: Uncertain significance for Seckel syndrome 1. Last evaluated: 2023-02-08. Review status: criteria provided, single submitter. Criteria: ACMG Guidelines, 2015. Collection method: clinical testing. Allele origin: germline.

Genome-Nilou Lab
Classification: Uncertain significance for Familial cutaneous telangiectasia and oropharyngeal predisposition cancer syndrome. Last evaluated: 2023-02-08. Review status: criteria provided, single submitter. Criteria: ACMG Guidelines, 2015. Collection method: clinical testing. Allele origin: germline.

Ambry Genetics
Classification: Uncertain significance for Inborn genetic diseases. Last evaluated: 2021-07-13. Review status: criteria provided, single submitter. Criteria: Ambry Variant Classification Scheme 2023. Collection method: clinical testing. Allele origin: germline.
Comment: The p.S1616P variant (also known as c.4846T>C), located in coding exon 27 of the ATR gene, results from a T to C substitution at nucleotide position 4846. The serine at codon 1616 is replaced by proline, an amino acid with similar properties. This amino acid position is conserved. In addition, this alteration is predicted to be tolerated by in silico analysis. Since supporting evidence is limited at this time, the clinical significance of this alteration remains unclear.

NM_001184.4(ATR):c.4846T>C (p.Ser1616Pro)

Gene: ATR (ATR checkpoint kinase; minus strand). Cytogenetic location: 3q23.
Variant type: single nucleotide variant.
Coding change: c.4846T>C on transcript NM_001184.4 (MANE Select); coding-DNA position 4846, T replaced by C.
Protein change: p.Ser1616Pro; replaces serine 1616 with proline.
Molecular consequence: missense variant.
Genome position (GRCh38, 1-based): chr3:142,512,266, A>G on the plus strand (T>C on the coding strand, the complement: ATR is on the minus strand). VCF-style: chr3-142512266-A-G. GRCh37 (hg19) VCF-style: chr3-142231108-A-G.
Other names: c.4654T>C, p.Ser1552Pro (NM_001354579.2); short protein forms S1552P, S1616P.
Identifiers: ClinVar variation 835654 (VCV000835654.11), dbSNP rs201492267, ClinGen allele CA354794767.
Genomic context (GRCh38, chr3:142,512,266, plus strand): 5'-AATTGGTGAATAGCTAAAAAAAAAAAAAAAAAAGAAACAGAAGTGATAACTCACCCATTG[A>G]GTCTACCTTATTTCTGTTTGATTTGCTGTGTGGACATTTCTCAGCTTTCAGTGCCTGAAA-3'
Protein context (NP_001175.2, residues 1606-1626): HSKSNRNKVD[Ser1616Pro]MVSTVDYEDY